The following is an entry in ClinVar:

ClinVar aggregate classification (germline): Uncertain significance (1 of 4 stars; one submission).

Conditions:
Immunodeficiency, common variable, 14. Identifiers: Orphanet 696904, MedGen C4540380, MONDO:0054691, OMIM 617765.

Submission:

Neuberg Centre For Genomic Medicine, NCGM
Classification: Uncertain significance for Immunodeficiency, common variable, 14. Last evaluated: 2024-02-01. Review status: criteria provided, single submitter. Criteria: ACMG Guidelines, 2015. Collection method: clinical testing. Allele origin: germline. Inheritance: Autosomal dominant inheritance.
Comment: The amino acid His at position 448 is changed to a Gln changing protein sequence and it might alter its composition and physico-chemical properties. For these reasons, this variant has been classified as uncertain significance.

NM_182972.3(IRF2BP2):c.1344C>G (p.His448Gln)

Gene: IRF2BP2 (interferon regulatory factor 2 binding protein 2; minus strand). Cytogenetic location: 1q42.3.
Variant type: single nucleotide variant.
Coding change: c.1344C>G on transcript NM_182972.3 (MANE Select); coding-DNA position 1344, C replaced by G.
Protein change: p.His448Gln; replaces histidine 448 with glutamine.
Molecular consequence: missense variant.
Genome position (GRCh38, 1-based): chr1:234,607,557, G>C on the plus strand (C>G on the coding strand, the complement: IRF2BP2 is on the minus strand). VCF-style: chr1-234607557-G-C. GRCh37 (hg19) VCF-style: chr1-234743303-G-C.
Other names: c.1296C>G, p.His432Gln (NM_001077397.1); short protein forms H432Q, H448Q.
Identifiers: ClinVar variation 3897980 (VCV003897980.1).
Genomic context (GRCh38, chr1:234,607,557, plus strand): 5'-CCTTCTTTGGTTCATAGAGGACGGAGAGGGCGGACTGTTGCTATTCCTCCTGGTAGTGGA[G>C]TGAACCTGGTTGGCATCTTTTGAGGCATGACTGCCCCCTGCATTGTCTGCTACTAAGATC-3'
Protein context (NP_892017.2, residues 438-458): SHASKDANQV[His448Gln]STTRRNSNSP